The following is an entry in ClinVar:

ClinVar aggregate classification (germline): Likely pathogenic (1 of 4 stars; one submission).

Conditions:
Biotinidase deficiency. Also called: BTD deficiency; Late-onset biotin-responsive multiple carboxylase deficiency; Biotin deficiency. Identifiers: Orphanet 79241, MedGen C0220754, MONDO:0009665, OMIM 253260.

Submission:

Natera, Inc.
Classification: Likely pathogenic for Biotinidase deficiency. Last evaluated: 2024-07-08. Review status: criteria provided, single submitter. Criteria: Natera Variant Classification Schema (03/2026). Collection method: clinical testing. Allele origin: germline.
Comment: The c.283C>T variant in BTD is a nonsense variant predicted to introduce a stop codon at amino acid 95. This variant is expected to result in nonsense mediated decay, truncation, or a dysfunctional protein product. This variant is rare in the general population with a frequency below the threshold expected for the associated phenotype(s). This variant has been observed in one or more individuals affected with the associated recessive disease, as either homozygous or compound heterozygous with a second variant (PMID: 15776412). Given the available evidence, this variant is classified as Likely Pathogenic.

Literature cited by the submitters: PubMed 15776412.

NM_000060.4:c.283C>T

Variant type: single nucleotide variant.
Other names: c.283C>T (NM_000060.4).
Identifiers: ClinVar variation 4816007 (VCV004816007.1).